The following is an entry in ClinVar:

NM_025099.6(CTC1):c.1190dup (p.Gly398fs)

Gene: CTC1 (CST telomere replication complex component 1; minus strand). Cytogenetic location: 17p13.1.
Variant type: Duplication.
Coding change: c.1190dup on transcript NM_025099.6 (MANE Select); coding-DNA position 1190, one base duplicated (C; older notation c.1190dupC).
Protein change: p.Gly398fs; shifts the reading frame from glycine 398.
Molecular consequence: frameshift variant. On other transcripts: non-coding transcript variant (1).
Genome position (GRCh38, 1-based): chr17:8,235,847, G duplicated on the plus strand (C on the coding strand, the reverse complement: CTC1 is on the minus strand); the first of 2 consecutive G bases (chr17:8,235,847-8,235,848); duplicating either gives the same sequence. VCF-style (leftmost placement, unchanged base first): chr17-8235846-A-AG. GRCh37 (hg19) VCF-style: chr17-8139164-A-AG.
Other names: c.1189dup, p.Gly398Trpfs (NM_001411067.1); short protein forms G398fs.
Identifiers: ClinVar variation 2156625 (VCV002156625.5), dbSNP rs1567609845, ClinGen allele CA919786403.

ClinVar aggregate classification (germline): Pathogenic/Likely pathogenic. Review status: criteria provided, multiple submitters, no conflicts (2 of 4 stars). 2 submissions from 2 submitters: Pathogenic (1); Likely pathogenic (1). Last evaluated 2022-07-18.

Conditions:
Dyskeratosis congenita. Identifiers: Orphanet 1775, MedGen C0265965, MONDO:0015780.
CTC1-related disorder. Also called: CTC1-related condition.

Submissions (2):

Blueprint Genetics
Classification: Likely pathogenic for CTC1-related disorders. Last evaluated: 2022-07-18. Review status: criteria provided, single submitter. Criteria: ACMG Guidelines, 2015. Collection method: clinical testing. Allele origin: germline. Affected: yes. Observed: 2 variant alleles.

Labcorp Genetics (formerly Invitae), Labcorp
Classification: Pathogenic for Dyskeratosis congenita. Last evaluated: 2022-05-30. Review status: criteria provided, single submitter. Criteria: Invitae Variant Classification Sherloc (09022015). Collection method: clinical testing. Allele origin: germline.
Comment: This variant is not present in population databases (gnomAD no frequency). For these reasons, this variant has been classified as Pathogenic. This variant has not been reported in the literature in individuals affected with CTC1-related conditions. This sequence change creates a premature translational stop signal (p.Gly398Trpfs*130) in the CTC1 gene. It is expected to result in an absent or disrupted protein product. Loss-of-function variants in CTC1 are known to be pathogenic (PMID: 22267198, 22387016).

Literature cited by the submitters: PubMed 22267198 (cited by Labcorp Genetics (formerly Invitae), Labcorp); PubMed 22387016 (cited by Labcorp Genetics (formerly Invitae), Labcorp).